The following is an entry in ClinVar:

ClinVar aggregate classification (germline): Pathogenic (1 of 4 stars; one submission).

Conditions:
Duchenne muscular dystrophy (DMD). Also called: Duchenne Muscular Dystrophy (DMD); MUSCULAR DYSTROPHY, PSEUDOHYPERTROPHIC PROGRESSIVE, DUCHENNE TYPE. Identifiers: Orphanet 98896, MedGen C0013264, MONDO:0010679, OMIM 310200.

Submission:

Labcorp Genetics (formerly Invitae), Labcorp
Classification: Pathogenic for Duchenne muscular dystrophy. Last evaluated: 2022-06-20. Review status: criteria provided, single submitter. Criteria: Invitae Variant Classification Sherloc (09022015). Collection method: clinical testing. Allele origin: germline.
Comment: For these reasons, this variant has been classified as Pathogenic. This variant has not been reported in the literature in individuals affected with DMD-related conditions. This variant is a gross deletion of the genomic region encompassing exon(s) 20-33 of the DMD gene. This deletion is out-of-frame, and is expected to create a premature termination codon and result in an absent or disrupted protein product. Loss-of-function variants in DMD are known to be pathogenic (PMID: 16770791, 25007885).

Literature cited by the submitters: PubMed 16770791; PubMed 25007885.

NC_000023.10:g.(?_32404407)_(32509655_?)del

Gene: DMD (dystrophin; minus strand). Cytogenetic location: Xp21.1.
Variant type: Deletion.
Identifiers: ClinVar variation 1458251 (VCV001458251.6).